The following is an entry in ClinVar:

ClinVar aggregate classification (germline): Benign. Review status: criteria provided, multiple submitters, no conflicts (2 of 4 stars). 11 submissions from 11 submitters: Benign (9). 2 of the submissions do not count toward it. Last evaluated 2026-02-04.

Conditions:
Nephronophthisis. Also called: Juvenile Nephronophthisis. Identifiers: Orphanet 655, MedGen C0687120, MONDO:0019005, HP:0000090.
Senior-Loken syndrome 5 (SLSN5). Identifiers: Orphanet 3156, MedGen C1836517, MONDO:0012225, OMIM 609254.

Allele frequency attached by ClinVar (database versions not stated): 1000 Genomes Project 0.62001; gnomAD exomes 0.62267 and 0.62777; ExAC 0.62748; 1000 Genomes Project 30x 0.62773; TOPMed 0.64108; gnomAD 0.64360 and 0.64838; ESP Exome Variant Server 0.65249.
gnomAD v4.1: 941,152 of 1,508,050 alleles (62%); highest among the groups gnomAD compares: Admixed American, 72%; 298,528 homozygotes.

Submissions (11):

Labcorp Genetics (formerly Invitae), Labcorp
Classification: Benign for Nephronophthisis. Last evaluated: 2026-02-04. Review status: criteria provided, single submitter. Criteria: Invitae Variant Classification Sherloc (09022015). Collection method: clinical testing. Allele origin: germline.

Blueprint Genetics
Classification: Benign. Last evaluated: 2024-11-27. Review status: criteria provided, single submitter. Criteria: ACMG Guidelines, 2015. Collection method: clinical testing. Allele origin: germline.

Mayo Clinic Laboratories, Mayo Clinic
Classification: Benign. Last evaluated: 2022-03-09. Review status: criteria provided, single submitter. Criteria: ACMG Guidelines, 2015. Collection method: clinical testing. Allele origin: germline. Observed: 153 variant alleles.

Genome-Nilou Lab
Classification: Benign for Senior-Loken syndrome 5. Last evaluated: 2021-08-19. Review status: criteria provided, single submitter. Criteria: ACMG Guidelines, 2015. Collection method: clinical testing. Allele origin: germline. Affected: no.

GeneDx
Classification: Benign. Last evaluated: 2019-05-22. Review status: criteria provided, single submitter. Criteria: GeneDx Variant Classification Process June 2021. Collection method: clinical testing. Allele origin: germline. Affected: yes.

Illumina Laboratory Services, Illumina
Classification: Benign for Senior-Loken syndrome 5. Last evaluated: 2018-01-12. Review status: criteria provided, single submitter. Criteria: ICSL Variant Classification Criteria 13 December 2019. Collection method: clinical testing. Allele origin: germline.
Comment: This variant was observed in the ICSL laboratory as part of a predisposition screen in an ostensibly healthy population. It had not been previously curated by ICSL or reported in the Human Gene Mutation Database (HGMD: prior to June 1st, 2018), and was therefore a candidate for classification through an automated scoring system. Utilizing variant allele frequency, disease prevalence and penetrance estimates, and inheritance mode, an automated score was calculated to assess if this variant is too frequent to cause the disease. Based on the score and internal cut-off values, a variant classified as benign is not then subjected to further curation. The score for this variant resulted in a classification of benign for this disease.

Eurofins Ntd Llc (ga)
Classification: Benign. Last evaluated: 2014-06-06. Review status: criteria provided, single submitter. Criteria: EGL Classification Definitions 2015. Collection method: clinical testing. Allele origin: germline. Observed: 1 variant allele, 1 homozygote.

Breakthrough Genomics
Classification: Benign. Review status: criteria provided, single submitter. Criteria: ACMG Guidelines, 2015. Collection method: not provided. Allele origin: germline. Inheritance: Autosomal recessive inheritance. Affected: yes.

PreventionGenetics, part of Exact Sciences
Classification: Benign. Review status: criteria provided, single submitter. Criteria: ACMG Guidelines, 2015. Collection method: clinical testing. Allele origin: germline.

Clinical Genetics DNA and cytogenetics Diagnostics Lab, Erasmus MC, Erasmus Medical Center
Classification: Benign. Review status: no assertion criteria provided. Collection method: clinical testing. Allele origin: germline. Affected: yes. Study: VKGL Data-share Consensus. Not counted in ClinVar's aggregate classification.

Joint Genome Diagnostic Labs from Nijmegen and Maastricht, Radboudumc and MUMC+
Classification: Benign. Review status: no assertion criteria provided. Collection method: clinical testing. Allele origin: germline. Affected: yes. Study: VKGL Data-share Consensus. Not counted in ClinVar's aggregate classification.

NM_001023570.4(IQCB1):c.574C>T (p.Leu192=)

Gene: IQCB1 (IQ motif containing B1; minus strand). Cytogenetic location: 3q13.33.
Variant type: single nucleotide variant.
Coding change: c.574C>T on transcript NM_001023570.4 (MANE Select); coding-DNA position 574, C replaced by T.
Protein change: p.Leu192=; no amino-acid change (leucine 192 retained).
Molecular consequence: synonymous variant. On other transcripts: non-coding transcript variant (1).
Genome position (GRCh38, 1-based): chr3:121,807,357, G>A on the plus strand (C>T on the coding strand, the complement: IQCB1 is on the minus strand). VCF-style: chr3-121807357-G-A. GRCh37 (hg19) VCF-style: chr3-121526204-G-A.
Other names: p.Leu192=; c.574C>T, p.Leu192= (NM_001023571.4, NM_001319107.2).
Identifiers: ClinVar variation 198444 (VCV000198444.31), dbSNP rs4543051, ClinGen allele CA203447.